The following is an entry in ClinVar:

ClinVar aggregate classification (germline): Uncertain significance (1 of 4 stars; one submission).

Conditions:
FGD1-related disorder. Also called: FGD1-related condition; FGD1-related disorders.

Submission:

PreventionGenetics, part of Exact Sciences
Classification: Uncertain significance for FGD1-related condition. Last evaluated: 2023-01-31. Review status: criteria provided, single submitter. Criteria: ACMG Guidelines, 2015. Collection method: clinical testing. Allele origin: germline.
Comment: The FGD1 c.2346C>G variant is predicted to result in the amino acid substitution p.Cys782Trp. To our knowledge, this variant has not been reported in the literature or in a large population database, indicating this variant is rare. At this time, the clinical significance of this variant is uncertain due to the absence of conclusive functional and genetic evidence.

NM_004463.3(FGD1):c.2346C>G (p.Cys782Trp)

Gene: FGD1 (FYVE, RhoGEF and PH domain containing 1; minus strand). Cytogenetic location: Xp11.22.
Variant type: single nucleotide variant.
Coding change: c.2346C>G on transcript NM_004463.3 (MANE Select); coding-DNA position 2346, C replaced by G.
Protein change: p.Cys782Trp; replaces cysteine 782 with tryptophan.
Molecular consequence: missense variant.
Genome position (GRCh38, 1-based): chrX:54,448,896, G>C on the plus strand (C>G on the coding strand, the complement: FGD1 is on the minus strand). VCF-style: chrX-54448896-G-C. GRCh37 (hg19) VCF-style: chrX-54475329-G-C.
Other names: short protein forms C782W.
Identifiers: ClinVar variation 2630171 (VCV002630171.1), dbSNP rs2522691509, ClinGen allele CA413358909.
Genomic context (GRCh38, chrX:54,448,896, plus strand): 5'-ATGCTGGCTGCAGGCTGGACTGCTCCCAGGCACCCCGTGCAAGGCCACATAGCAATCAGT[G>C]CACACACGGTTGGAGCGGTTGTTGTCATAGACGAGGCGGGCCCGGAACTCGGAGCACTTC-3'
Protein context (NP_004454.2, residues 772-792): VYDNNRSNRV[Cys782Trp]TDCYVALHGV